The following is an entry in ClinVar:

NM_001283009.2(RTEL1):c.3550T>G (p.Phe1184Val)

Genes: RTEL1 (regulator of telomere elongation helicase 1; plus strand), RTEL1-TNFRSF6B (RTEL1-TNFRSF6B readthrough (NMD candidate); plus strand). Cytogenetic location: 20q13.33.
Variant type: single nucleotide variant.
Coding change: c.3550T>G on transcript NM_001283009.2 (MANE Select); coding-DNA position 3550, T replaced by G.
Protein change: p.Phe1184Val; replaces phenylalanine 1184 with valine.
Molecular consequence: missense variant. On other transcripts: non-coding transcript variant (1).
Genome position (GRCh38, 1-based): chr20:63,695,378, T>G. VCF-style: chr20-63695378-T-G. GRCh37 (hg19) VCF-style: chr20-62326731-T-G.
Other names: c.2881T>G, p.Phe961Val (NM_001283010.1); c.3550T>G, p.Phe1184Val (NM_016434.4); c.3622T>G, p.Phe1208Val (NM_032957.5); short protein forms F1208V, F961V, F1184V.
Identifiers: ClinVar variation 2927978 (VCV002927978.5), dbSNP rs1182002356, ClinGen allele CA409685661.

ClinVar aggregate classification (germline): Uncertain significance. Review status: criteria provided, multiple submitters, no conflicts (2 of 4 stars). 3 submissions from 3 submitters: Uncertain significance (3). Last evaluated 2025-10-14.

Conditions:
Pulmonary fibrosis and/or bone marrow failure, Telomere-related, 3. Also called: PULMONARY FIBROSIS AND/OR BONE MARROW FAILURE SYNDROME, TELOMERE-RELATED, 3. Identifiers: Orphanet 2032, MedGen C4225346, MONDO:0014613, OMIM 616373.
Dyskeratosis congenita, autosomal recessive 5 (DKCB5). Identifiers: MedGen C3554656, MONDO:0014076, OMIM 615190.
Inborn genetic diseases. Identifiers: MedGen C0950123, MeSH D030342.

Allele frequency attached by ClinVar (database versions not stated): gnomAD exomes below 0.00001.
gnomAD v4.1: 4 of 1,546,516 alleles (0.00026%); highest among the groups gnomAD compares: South Asian, 0.0012%; no homozygotes.

Submissions (3):

Labcorp Genetics (formerly Invitae), Labcorp
Classification: Uncertain significance for Dyskeratosis congenita, autosomal recessive 5; Pulmonary fibrosis and/or bone marrow failure, Telomere-related, 3. Last evaluated: 2025-10-14. Review status: criteria provided, single submitter. Criteria: Invitae Variant Classification Sherloc (09022015). Collection method: clinical testing. Allele origin: germline.
Comment: This sequence change replaces phenylalanine, which is neutral and non-polar, with valine, which is neutral and non-polar, at codon 1184 of the RTEL1 protein (p.Phe1184Val). This variant is present in population databases (no rsID available, gnomAD 0.005%). This variant has not been reported in the literature in individuals affected with RTEL1-related conditions. ClinVar contains an entry for this variant (Variation ID: 2927978). An algorithm developed to predict the effect of missense changes on protein structure and function (PolyPhen-2) suggests that this variant is likely to be disruptive. In summary, the available evidence is currently insufficient to determine the role of this variant in disease. Therefore, it has been classified as a Variant of Uncertain Significance.

Ambry Genetics
Classification: Uncertain significance for Inborn genetic diseases. Last evaluated: 2024-12-29. Review status: criteria provided, single submitter. Criteria: Ambry Variant Classification Scheme 2023. Collection method: clinical testing. Allele origin: germline.
Comment: The p.F1184V variant (also known as c.3550T>G), located in coding exon 33 of the RTEL1 gene, results from a T to G substitution at nucleotide position 3550. The phenylalanine at codon 1184 is replaced by valine, an amino acid with highly similar properties. This amino acid position is conserved. In addition, the in silico prediction for this alteration is inconclusive. Based on the available evidence, the clinical significance of this variant remains unclear.

Neuberg Centre For Genomic Medicine, NCGM
Classification: Uncertain significance for Dyskeratosis congenita, autosomal recessive 5. Last evaluated: 2023-06-22. Review status: criteria provided, single submitter. Criteria: ACMG Guidelines, 2015. Collection method: clinical testing. Allele origin: germline. Inheritance: Autosomal dominant inheritance. Affected: yes.
Comment: The missense c.3550T>G (p.Phe1184Val) variant in the RTEL1 gene has not been reported previously as a pathogenic variant nor as a benign variant, to our knowledge. This variant is reported with the allele frequency (0.0005%) in the gnomAD Exomes. The amino acid Phenylalanine at position 1184 is changed to a Valine changing protein sequence and it might alter its composition and physico-chemical properties. Multiple lines of computational evidence (Polyphen - Benign, SIFT - Tolerated and MutationTaster - Polymorphism) predict no damaging effect on protein structure and function for this variant. The amino acid Phenylalanine in RTEL1 is predicted as conserved by GERP++ and PhyloP across 100 vertebrates. For these reasons, this variant has been classified as Uncertain Significance.